The following is an entry in ClinVar:

NM_203288.2(RP9):c.46C>T (p.Arg16Trp)

Genes: RP9 (RP9 pre-mRNA splicing factor; minus strand), LOC129998225 (ATAC-STARR-seq lymphoblastoid silent region 18090; plus strand). Cytogenetic location: 7p14.3.
Variant type: single nucleotide variant.
Coding change: c.46C>T on transcript NM_203288.2 (MANE Select); coding-DNA position 46, C replaced by T.
Protein change: p.Arg16Trp; replaces arginine 16 with tryptophan.
Molecular consequence: missense variant.
Genome position (GRCh38, 1-based): chr7:33,109,327, G>A on the plus strand (C>T on the coding strand, the complement: RP9 is on the minus strand). VCF-style: chr7-33109327-G-A. GRCh37 (hg19) VCF-style: chr7-33148939-G-A.
Other names: short protein forms R16W.
Identifiers: ClinVar variation 2572686 (VCV002572686.1), dbSNP rs1788548191, ClinGen allele CA367185400.

ClinVar aggregate classification (germline): Uncertain significance (1 of 4 stars; one submission).

Allele frequency attached by ClinVar (database versions not stated): gnomAD exomes below 0.00001; TOPMed below 0.00001.
gnomAD v4.1: 3 of 1,456,862 alleles (0.00021%); highest among the groups gnomAD compares: Non-Finnish European, 0.00027%; no homozygotes.

Submission:

GeneDx
Classification: Uncertain significance. Last evaluated: 2023-01-17. Review status: criteria provided, single submitter. Criteria: GeneDx Variant Classification Process June 2021. Collection method: clinical testing. Allele origin: germline. Affected: yes.
Comment: Not observed at significant frequency in large population cohorts (gnomAD); In silico analysis supports that this missense variant does not alter protein structure/function; Has not been previously published as pathogenic or benign to our knowledge